The following is an entry in ClinVar:

ClinVar aggregate classification (germline): Uncertain significance (1 of 4 stars; one submission).

Conditions:
Autosomal dominant limb-girdle muscular dystrophy type 1G (LGMDD3). Also called: Limb-girdle muscular dystrophy, type 1G; MUSCULAR DYSTROPHY, LIMB-GIRDLE, AUTOSOMAL DOMINANT 3. Identifiers: Orphanet 55596, MedGen C1836765, MONDO:0012193, OMIM 609115.

Submission:

Labcorp Genetics (formerly Invitae), Labcorp
Classification: Uncertain significance for Autosomal dominant limb-girdle muscular dystrophy type 1G. Last evaluated: 2023-09-10. Review status: criteria provided, single submitter. Criteria: Invitae Variant Classification Sherloc (09022015). Collection method: clinical testing. Allele origin: germline.
Comment: This variant has not been reported in the literature in individuals affected with HNRNPDL-related conditions. This variant is not present in population databases (gnomAD no frequency). This sequence change replaces alanine, which is neutral and non-polar, with valine, which is neutral and non-polar, at codon 308 of the HNRNPDL protein (p.Ala308Val). An algorithm developed to predict the effect of missense changes on protein structure and function (PolyPhen-2) suggests that this variant is likely to be tolerated. In summary, the available evidence is currently insufficient to determine the role of this variant in disease. Therefore, it has been classified as a Variant of Uncertain Significance.

NM_031372.4(HNRNPDL):c.923C>T (p.Ala308Val)

Gene: HNRNPDL (heterogeneous nuclear ribonucleoprotein D like; minus strand). Cytogenetic location: 4q21.22.
Variant type: single nucleotide variant.
Coding change: c.923C>T on transcript NM_031372.4 (MANE Select); coding-DNA position 923, C replaced by T.
Protein change: p.Ala308Val; replaces alanine 308 with valine.
Molecular consequence: missense variant. On other transcripts: non-coding transcript variant (1).
Genome position (GRCh38, 1-based): chr4:82,427,288, G>A on the plus strand (C>T on the coding strand, the complement: HNRNPDL is on the minus strand). VCF-style: chr4-82427288-G-A. GRCh37 (hg19) VCF-style: chr4-83348441-G-A.
Other names: c.923C>T, p.Ala308Val (NM_001207000.1); short protein forms A308V.
Identifiers: ClinVar variation 2759917 (VCV002759917.3), dbSNP rs2530014116, ClinGen allele CA357169746.